The following is an entry in ClinVar:

ClinVar aggregate classification (germline): Uncertain significance. Review status: criteria provided, multiple submitters, no conflicts (2 of 4 stars). 2 submissions from 2 submitters: Uncertain significance (2). Last evaluated 2023-02-28.

Allele frequency attached by ClinVar (database versions not stated): gnomAD exomes 0.00001.

Submissions (2):

Institute for Clinical Genetics, University Hospital TU Dresden, University Hospital TU Dresden
Classification: Uncertain significance. Last evaluated: 2023-02-28. Review status: criteria provided, single submitter. Criteria: ACMG Guidelines, 2015. Collection method: clinical testing. Allele origin: germline.

CeGaT Center for Human Genetics Tuebingen
Classification: Uncertain significance. Last evaluated: 2022-06-01. Review status: criteria provided, single submitter. Criteria: CeGaT Center For Human Genetics Tuebingen Variant Classification Criteria Version 2. Collection method: clinical testing. Allele origin: germline. Affected: yes. Observed: 1 variant allele.
Comment: NLRP1: PM2

NM_033004.4(NLRP1):c.3820C>T (p.Arg1274Ter)

Gene: NLRP1 (NLR family pyrin domain containing 1; minus strand). Cytogenetic location: 17p13.2.
Variant type: single nucleotide variant.
Coding change: c.3820C>T on transcript NM_033004.4 (MANE Select); coding-DNA position 3820, C replaced by T.
Protein change: p.Arg1274Ter; replaces arginine 1274 with a stop codon.
Molecular consequence: nonsense. On other transcripts: intron variant (2).
Genome position (GRCh38, 1-based): chr17:5,520,976, G>A on the plus strand (C>T on the coding strand, the complement: NLRP1 is on the minus strand). VCF-style: chr17-5520976-G-A. GRCh37 (hg19) VCF-style: chr17-5424296-G-A.
Other names: c.3832C>T, p.Arg1278Ter (NM_001033053.3); c.3730C>T, p.Arg1244Ter (NM_033006.4); c.3693+548C>T (NM_033007.4); c.3783+548C>T (NM_014922.5); short protein forms R1244*, R1274*, R1278*.
Identifiers: ClinVar variation 1694815 (VCV001694815.32), dbSNP rs866926418, ClinGen allele CA287278153.